The following is an entry in ClinVar:

ClinVar aggregate classification (germline): Uncertain significance. Review status: criteria provided, multiple submitters, no conflicts (2 of 4 stars). 2 submissions from 2 submitters: Uncertain significance (2). Last evaluated 2023-11-17.

Allele frequency attached by ClinVar (database versions not stated): ExAC 0.00001.

Submissions (2):

Blueprint Genetics
Classification: Uncertain significance. Last evaluated: 2023-11-17. Review status: criteria provided, single submitter. Criteria: ACMG Guidelines, 2015. Collection method: clinical testing. Allele origin: germline.

Labcorp Genetics (formerly Invitae), Labcorp
Classification: Uncertain significance. Last evaluated: 2022-08-15. Review status: criteria provided, single submitter. Criteria: Invitae Variant Classification Sherloc (09022015). Collection method: clinical testing. Allele origin: germline.
Comment: In summary, the available evidence is currently insufficient to determine the role of this variant in disease. Therefore, it has been classified as a Variant of Uncertain Significance. Algorithms developed to predict the effect of missense changes on protein structure and function (SIFT, PolyPhen-2, Align-GVGD) all suggest that this variant is likely to be disruptive. ClinVar contains an entry for this variant (Variation ID: 1399557). This missense change has been observed in individual(s) with Alzheimer disease (PMID: 28789839). This variant is present in population databases (rs267602736, gnomAD 0.0009%). This sequence change replaces arginine, which is basic and polar, with cysteine, which is neutral and slightly polar, at codon 1124 of the SORL1 protein (p.Arg1124Cys).

Literature cited by the submitters: PubMed 28789839 (cited by Labcorp Genetics (formerly Invitae), Labcorp).

NM_003105.6(SORL1):c.3370C>T (p.Arg1124Cys)

Gene: SORL1 (sortilin related receptor 1; plus strand). Cytogenetic location: 11q24.1.
Variant type: single nucleotide variant.
Coding change: c.3370C>T on transcript NM_003105.6 (MANE Select); coding-DNA position 3370, C replaced by T.
Protein change: p.Arg1124Cys; replaces arginine 1124 with cysteine.
Molecular consequence: missense variant.
Genome position (GRCh38, 1-based): chr11:121,574,273, C>T. VCF-style: chr11-121574273-C-T. GRCh37 (hg19) VCF-style: chr11-121444982-C-T.
Other names: short protein forms R1124C.
Identifiers: ClinVar variation 1399557 (VCV001399557.9), dbSNP rs267602736, ClinGen allele CA6329236.
Genomic context (GRCh38, chr11:121,574,273, plus strand): 5'-AATATGTTGTCTTTCTATCCCATTTTAGCTACCACCATCTGTGACCTGGACACCCAGTTT[C>T]GTTGCCAGGAGTCTGGGACTTGTATCCCACTGTCCTATAAATGTGACCTTGAGGATGACT-3'
Protein context (NP_003096.2, residues 1114-1134): TTICDLDTQF[Arg1124Cys]CQESGTCIPL